The following is an entry in ClinVar:

ClinVar aggregate classification (germline): Uncertain significance (1 of 4 stars; one submission).

Conditions:
X-linked severe congenital neutropenia (SCNX). Identifiers: Orphanet 86788, MedGen C1845987, MONDO:0010294, OMIM 300299.
Thrombocytopenia 1. Also called: THROMBOCYTOPENIA, X-LINKED, 1; X-linked thrombocytopenia with normal platelets; X-Linked Thrombocytopenia (XLT). Identifiers: Orphanet 268322, Orphanet 852, MedGen C1839163, MONDO:0010743, OMIM 313900.
Wiskott-Aldrich syndrome (WAS). Also called: Wiskott-aldrich syndrome, somatic; ALDRICH SYNDROME; IMMUNODEFICIENCY 2; WISKOTT-ALDRICH SYNDROME 1. Identifiers: Orphanet 906, MedGen C0043194, MONDO:0010518, OMIM 301000.

Submission:

Labcorp Genetics (formerly Invitae), Labcorp
Classification: Uncertain significance for Wiskott-Aldrich syndrome; X-linked severe congenital neutropenia; Thrombocytopenia 1. Last evaluated: 2025-01-30. Review status: criteria provided, single submitter. Criteria: Invitae Variant Classification Sherloc (09022015). Collection method: clinical testing. Allele origin: germline.
Comment: This sequence change replaces proline, which is neutral and non-polar, with alanine, which is neutral and non-polar, at codon 16 of the WAS protein (p.Pro16Ala). This variant is not present in population databases (gnomAD no frequency). This variant has not been reported in the literature in individuals affected with WAS-related conditions. ClinVar contains an entry for this variant (Variation ID: 1956732). Invitae Evidence Modeling of protein sequence and biophysical properties (such as structural, functional, and spatial information, amino acid conservation, physicochemical variation, residue mobility, and thermodynamic stability) indicates that this missense variant is not expected to disrupt WAS protein function with a negative predictive value of 80%. In summary, the available evidence is currently insufficient to determine the role of this variant in disease. Therefore, it has been classified as a Variant of Uncertain Significance.

NM_000377.3(WAS):c.46C>G (p.Pro16Ala)

Gene: WAS (WASP actin nucleation promoting factor; plus strand). Cytogenetic location: Xp11.23.
Variant type: single nucleotide variant.
Coding change: c.46C>G on transcript NM_000377.3 (MANE Select); coding-DNA position 46, C replaced by G.
Protein change: p.Pro16Ala; replaces proline 16 with alanine.
Molecular consequence: missense variant.
Genome position (GRCh38, 1-based): chrX:48,683,899, C>G. VCF-style: chrX-48683899-C-G. GRCh37 (hg19) VCF-style: chrX-48542288-C-G.
Other names: short protein forms P16A.
Identifiers: ClinVar variation 1956732 (VCV001956732.5), dbSNP rs2519277458, ClinGen allele CA412865344.